The following is an entry in ClinVar:

ClinVar aggregate classification (germline): Uncertain significance. Review status: criteria provided, multiple submitters, no conflicts (2 of 4 stars). 2 submissions from 2 submitters: Uncertain significance (2). Last evaluated 2025-08-25.

Allele frequency attached by ClinVar (database versions not stated): gnomAD exomes below 0.00001.
gnomAD v4.1: 1 of 1,613,966 alleles (0.000062%); highest among the groups gnomAD compares: Non-Finnish European, 0.000085%; no homozygotes.

Submissions (2):

Ambry Genetics
Classification: Uncertain significance. Last evaluated: 2025-08-25. Review status: criteria provided, single submitter. Criteria: Ambry Variant Classification Scheme 2023. Collection method: clinical testing. Allele origin: germline.
Comment: The p.I394T variant (also known as c.1181T>C), located in coding exon 9 of the FAM175A gene, results from a T to C substitution at nucleotide position 1181. The isoleucine at codon 394 is replaced by threonine, an amino acid with similar properties. This amino acid position is conserved. In addition, this alteration is predicted to be tolerated by in silico analysis. Based on the available evidence, the clinical significance of this variant remains unclear.

Labcorp Genetics (formerly Invitae), Labcorp
Classification: Uncertain significance. Last evaluated: 2021-06-11. Review status: criteria provided, single submitter. Criteria: Invitae Variant Classification Sherloc (09022015). Collection method: clinical testing. Allele origin: germline.
Comment: In summary, the available evidence is currently insufficient to determine the role of this variant in disease. Therefore, it has been classified as a Variant of Uncertain Significance. Algorithms developed to predict the effect of missense changes on protein structure and function are either unavailable or do not agree on the potential impact of this missense change (SIFT: "Deleterious"; PolyPhen-2: "Benign"; Align-GVGD: "Class C0"). This variant has not been reported in the literature in individuals with ABRAXAS1-related conditions. This variant is not present in population databases (ExAC no frequency). This sequence change replaces isoleucine with threonine at codon 394 of the ABRAXAS1 protein (p.Ile394Thr). The isoleucine residue is moderately conserved and there is a moderate physicochemical difference between isoleucine and threonine.

NM_139076.3(ABRAXAS1):c.1181T>C (p.Ile394Thr)

Gene: ABRAXAS1 (abraxas 1, BRCA1 A complex subunit; minus strand). Cytogenetic location: 4q21.23.
Variant type: single nucleotide variant.
Coding change: c.1181T>C on transcript NM_139076.3 (MANE Select); coding-DNA position 1181, T replaced by C.
Protein change: p.Ile394Thr; replaces isoleucine 394 with threonine.
Molecular consequence: missense variant.
Genome position (GRCh38, 1-based): chr4:83,462,518, A>G on the plus strand (T>C on the coding strand, the complement: ABRAXAS1 is on the minus strand). VCF-style: chr4-83462518-A-G. GRCh37 (hg19) VCF-style: chr4-84383671-A-G.
Other names: c.854T>C, p.Ile285Thr (NM_001345962.2); c.1181T>C (NM_139076.2); short protein forms I285T, I394T.
Identifiers: ClinVar variation 1401441 (VCV001401441.9), dbSNP rs2110032759, ClinGen allele CA357254947.